The following is an entry in ClinVar:

ClinVar aggregate classification (germline): Uncertain significance. Review status: reviewed by expert panel (3 of 4 stars). 4 submissions from 4 submitters: Uncertain significance (1). 3 of the submissions do not count toward it. Last evaluated 2024-08-01.

Conditions:
Inborn genetic diseases. Identifiers: MedGen C0950123, MeSH D030342.
Hereditary thrombocytopenia and hematologic cancer predisposition syndrome. Identifiers: Orphanet 71290, MedGen CN281654, MONDO:0011071.
Hereditary thrombocytopenia and hematological cancer predisposition syndrome associated with RUNX1. Also called: Familial Platelet Disorder with Propensity to Acute Myelogenous Leukemia; Familial thrombocytopenia with propensity to acute myelogenous leukemia; PLATELET DISORDER, ASPIRIN-LIKE; RUNX1 Familial Platelet Disorder with Associated Myeloid Malignancies. Identifiers: Orphanet 71290, MedGen C1832388, MeSH C563324, MONDO:0100083, OMIM 601399.

Submissions (4):

ClinGen Myeloid Malignancy Variant Curation Expert Panel
Classification: Uncertain significance for Hereditary thrombocytopenia and hematologic cancer predisposition syndrome. Last evaluated: 2024-08-01. Review status: reviewed by expert panel. Criteria: ClinGen MyeloMalig ACMG Specifications v2. Collection method: curation. Allele origin: germline. Inheritance: Autosomal dominant inheritance.
Comment: NM_001754.5(RUNX1):c.1166_1186dup (p.Pro395_Phe396insSerGlnAlaGlnGlyGlyPro) is an in-frame duplication variant which is predicted to cause a change in the length of the protein by duplicating 7 amino acids (p.S389_P395dup) in a nonrepeat region but not the runt homology domain (PM4 is not met). The splice site predictor SpliceAI indicated that the variant has no impact on splicing. This variant is absent from gnomAD v2 and v3 (PM2_supporting) and has not been reported in the literature. In summary, this variant meets the criteria to be classified as a variant of uncertain significance for autosomal dominant hereditary thrombocytopenia and hematologic cancer predisposition syndrome based on the ACMG/AMP criteria applied, as specified by the ClinGen Myeloid Malignancy VCEP: PM2_supporting.

Ambry Genetics
Classification: Uncertain significance for Inborn genetic diseases. Last evaluated: 2025-07-15. Review status: criteria provided, single submitter. Criteria: Ambry Variant Classification Scheme 2023. Collection method: clinical testing. Allele origin: germline. Not counted in ClinVar's aggregate classification.
Comment: The c.1166_1186dup21 variant (also known as p.S389_P395dup), located in coding exon 8 of the RUNX1 gene, results from an in-frame duplication of 21 nucleotides at nucleotide positions 1166 to 1186. This results in the duplication of 7 extra residues (SQAQGGP) between codons 389 and 395. This amino acid region is well conserved in available vertebrate species. In addition, this variant is predicted to be deleterious by in silico analysis (Choi Y et al. PLoS ONE. 2012; 7(10):e46688). Based on the available evidence, the clinical significance of this variant remains unclear.

Labcorp Genetics (formerly Invitae), Labcorp
Classification: Uncertain significance for Hereditary thrombocytopenia and hematological cancer predisposition syndrome associated with RUNX1. Last evaluated: 2025-06-04. Review status: criteria provided, single submitter. Criteria: Invitae Variant Classification Sherloc (09022015). Collection method: clinical testing. Allele origin: germline. Not counted in ClinVar's aggregate classification.
Comment: This variant, c.1166_1186dup, results in the insertion of 7 amino acid(s) of the RUNX1 protein (p.Ser389_Pro395dup), but otherwise preserves the integrity of the reading frame. This variant is not present in population databases (gnomAD no frequency). This variant has not been reported in the literature in individuals affected with RUNX1-related conditions. ClinVar contains an entry for this variant (Variation ID: 409806). Experimental studies and prediction algorithms are not available or were not evaluated, and the functional significance of this variant is currently unknown. In summary, the available evidence is currently insufficient to determine the role of this variant in disease. Therefore, it has been classified as a Variant of Uncertain Significance.

GeneDx
Classification: Uncertain significance. Last evaluated: 2023-07-06. Review status: criteria provided, single submitter. Criteria: GeneDx Variant Classification Process June 2021. Collection method: clinical testing. Allele origin: germline. Affected: yes. Not counted in ClinVar's aggregate classification.
Comment: Not observed at significant frequency in large population cohorts (gnomAD); In-frame duplication of 7 amino acids in a non-repeat region; Has not been previously published as pathogenic or benign to our knowledge

NM_001754.5(RUNX1):c.1166_1186dup (p.Ser389_Pro395dup)

Gene: RUNX1 (RUNX family transcription factor 1; minus strand). Cytogenetic location: 21q22.12.
Variant type: Duplication.
Coding change: c.1166_1186dup on transcript NM_001754.5 (MANE Select); coding-DNA positions 1166 to 1186, 21 bases duplicated (CGCAAGCGCAGGGAGGCCCGT).
Protein change: p.Ser389_Pro395dup.
Molecular consequence: inframe insertion.
Genome position (GRCh38, 1-based): chr21:34,792,392-34,792,412, ACGGGCCTCCCTGCGCTTGCG duplicated on the plus strand (CGCAAGCGCAGGGAGGCCCGT on the coding strand, the reverse complement: RUNX1 is on the minus strand); duplicating any 21 consecutive bases within chr21:34,792,392-34,792,415 gives the same sequence; the c. name uses the placement nearest the transcript's 3' end. VCF-style (leftmost placement, unchanged base first): chr21-34792391-A-AACGGGCCTCCCTGCGCTTGCG. GRCh37 (hg19) VCF-style: chr21-36164688-A-AACGGGCCTCCCTGCGCTTGCG.
Other names: NM_001754.5(RUNX1):c.1166_1186dup; p.Ser389_Pro395dup; c.1085_1105dup, p.Ser362_Pro368dup (NM_001001890.3); c.1166_1186dupCGCAAGCGCAGGGAGGCCCGT (NM_001754.4).
Identifiers: ClinVar variation 409806 (VCV000409806.9), dbSNP rs1555884869, ClinGen allele CA16616266.
Genomic context (GRCh38, chr21:34,792,391, plus strand): 5'-AACTGGTAGGAGCCGGCCGAGGCGCCGTAGTACAGGTGGTAGGAGGGCGAGCTGGCTTGG[A>AACGGGCCTCCCTGCGCTTGCG]ACGGGCCTCCCTGCGCTTGCGACGAGCCGGGGTAGGGCGGCGGCAGGTAGGTGTGGTAGC-3'